The following is an entry in ClinVar:

ClinVar aggregate classification (germline): Likely benign. Review status: criteria provided, multiple submitters, no conflicts (2 of 4 stars). 5 submissions from 5 submitters: Likely benign (5). Last evaluated 2025-10-02.

Conditions:
Inborn genetic diseases. Identifiers: MedGen C0950123, MeSH D030342.
Mowat-Wilson syndrome (MOWS). Also called: Classic Mowat-Wilson Syndrome. Identifiers: Orphanet 2152, MedGen C1856113, MONDO:0009341, OMIM 235730.

Allele frequency attached by ClinVar (database versions not stated): gnomAD exomes 0.00002 and 0.00004; gnomAD 0.00003 and 0.00004; TOPMed 0.00003; ExAC 0.00007.
gnomAD v4.1: 37 of 1,613,634 alleles (0.0023%); highest among the groups gnomAD compares: Middle Eastern, 0.016%; no homozygotes.

Submissions (5):

Labcorp Genetics (formerly Invitae), Labcorp
Classification: Likely benign for Mowat-Wilson syndrome. Last evaluated: 2025-10-02. Review status: criteria provided, single submitter. Criteria: Invitae Variant Classification Sherloc (09022015). Collection method: clinical testing. Allele origin: germline.

Blueprint Genetics
Classification: Likely benign. Last evaluated: 2024-09-09. Review status: criteria provided, single submitter. Criteria: ACMG Guidelines, 2015. Collection method: clinical testing. Allele origin: germline.

CeGaT Center for Human Genetics Tuebingen
Classification: Likely benign. Last evaluated: 2023-07-01. Review status: criteria provided, single submitter. Criteria: CeGaT Center For Human Genetics Tuebingen Variant Classification Criteria Version 2. Collection method: clinical testing. Allele origin: germline. Affected: yes. Observed: 1 variant allele.
Comment: ZEB2: BP4, BP7

Ambry Genetics
Classification: Likely benign for Inborn genetic diseases. Last evaluated: 2016-10-21. Review status: criteria provided, single submitter. Criteria: Ambry Variant Classification Scheme 2023. Collection method: clinical testing. Allele origin: germline.

GeneDx
Classification: Likely benign. Last evaluated: 2016-05-27. Review status: criteria provided, single submitter. Criteria: GeneDx Variant Classification (06012015). Collection method: clinical testing. Allele origin: germline. Affected: yes.
Comment: This variant is considered likely benign or benign based on one or more of the following criteria: it is a conservative change, it occurs at a poorly conserved position in the protein, it is predicted to be benign by multiple in silico algorithms, and/or has population frequency not consistent with disease.

NM_014795.4(ZEB2):c.3432C>T (p.Gly1144=)

Gene: ZEB2 (zinc finger E-box binding homeobox 2; minus strand). Cytogenetic location: 2q22.3.
Variant type: single nucleotide variant.
Coding change: c.3432C>T on transcript NM_014795.4 (MANE Select); coding-DNA position 3432, C replaced by T.
Protein change: p.Gly1144=; no amino-acid change (glycine 1144 retained).
Molecular consequence: synonymous variant.
Genome position (GRCh38, 1-based): chr2:144,389,664, G>A on the plus strand (C>T on the coding strand, the complement: ZEB2 is on the minus strand). VCF-style: chr2-144389664-G-A. GRCh37 (hg19) VCF-style: chr2-145147231-G-A.
Other names: c.3360C>T, p.Gly1120= (NM_001171653.2).
Identifiers: ClinVar variation 379072 (VCV000379072.38), dbSNP rs768007761, ClinGen allele CA1898118.
Genomic context (GRCh38, chr2:144,389,664, plus strand): 5'-CTCTTCCTCCTCGAACTCCTCGTCGCCATCCTGTCTGCCCAGCTTCCCGTAGCCATCCTC[G>A]CCTTCTTTCTCGTGCTCCTTCTCGCTCTCGCCATCCCTCGGCATACTCTCCCTCTCCTCC-3'
Protein context (NP_055610.1, residues 1134-1154): GESEKEHEKE[Gly1144=]EDGYGKLGRQ